The following is an entry in ClinVar:

ClinVar aggregate classification (germline): Uncertain significance (1 of 4 stars; one submission).

Conditions:
Hereditary cancer-predisposing syndrome. Also called: Neoplastic Syndromes, Hereditary; Tumor predisposition; Hereditary Cancer Syndrome; Hereditary neoplastic syndrome. Identifiers: Orphanet 140162, MedGen C0027672, MeSH D009386, MONDO:0015356.

Submission:

Ambry Genetics
Classification: Uncertain significance for Hereditary cancer-predisposing syndrome. Last evaluated: 2025-11-24. Review status: criteria provided, single submitter. Criteria: Ambry Variant Classification Scheme 2023. Collection method: clinical testing. Allele origin: germline.
Comment: The p.R97G variant (also known as c.289C>G), located in coding exon 2 of the PRKAR1A gene, results from a C to G substitution at nucleotide position 289. The arginine at codon 97 is replaced by glycine, an amino acid with dissimilar properties. This amino acid position is highly conserved in available vertebrate species. In addition, this alteration is predicted to be deleterious by in silico analysis. Based on the available evidence, the clinical significance of this variant remains unclear.

NM_002734.5(PRKAR1A):c.289C>G (p.Arg97Gly)

Gene: PRKAR1A (protein kinase cAMP-dependent type I regulatory subunit alpha; plus strand). Cytogenetic location: 17q24.2.
Variant type: single nucleotide variant.
Coding change: c.289C>G on transcript NM_002734.5 (MANE Select); coding-DNA position 289, C replaced by G.
Protein change: p.Arg97Gly; replaces arginine 97 with glycine.
Molecular consequence: missense variant.
Genome position (GRCh38, 1-based): chr17:68,522,867, C>G. VCF-style: chr17-68522867-C-G. GRCh37 (hg19) VCF-style: chr17-66519008-C-G.
Other names: c.289C>G, p.Arg97Gly (NM_001276289.2, NM_001276290.1, NM_001278433.2 and 4 more transcripts); short protein forms R97G.
Identifiers: ClinVar variation 4674284 (VCV004674284.1).